The following is an entry in ClinVar:

NM_015267.4(CUX2):c.3935G>A (p.Gly1312Asp)

Gene: CUX2 (cut like homeobox 2; plus strand). Cytogenetic location: 12q24.12.
Variant type: single nucleotide variant.
Coding change: c.3935G>A on transcript NM_015267.4 (MANE Select); coding-DNA position 3935, G replaced by A.
Protein change: p.Gly1312Asp; replaces glycine 1312 with aspartic acid.
Molecular consequence: missense variant.
Genome position (GRCh38, 1-based): chr12:111,347,799, G>A. VCF-style: chr12-111347799-G-A. GRCh37 (hg19) VCF-style: chr12-111785603-G-A.
Other names: c.3749G>A, p.Gly1250Asp (NM_001370598.1); short protein forms G1250D, G1312D.
Identifiers: ClinVar variation 3895883 (VCV003895883.1).

ClinVar aggregate classification (germline): Uncertain significance (1 of 4 stars; one submission).

Submission:

Women's Health and Genetics/Laboratory Corporation of America, LabCorp
Classification: Uncertain significance. Last evaluated: 2025-03-03. Review status: criteria provided, single submitter. Criteria: LabCorp Variant Classification Summary - May 2015. Collection method: clinical testing. Allele origin: germline.
Comment: Variant summary: CUX2 c.3935G>A (p.Gly1312Asp) results in a non-conservative amino acid change in the encoded protein sequence. Four of five in-silico tools predict a benign effect of the variant on protein function. The variant was absent in 249288 control chromosomes. The available data on variant occurrences in the general population are insufficient to allow any conclusion about variant significance. To our knowledge, no occurrence of c.3935G>A in individuals affected with Early Infantile Epileptic Encephalopathy, Autosomal Dominant and no experimental evidence demonstrating its impact on protein function have been reported. No submitters have cited clinical-significance assessments for this variant to ClinVar. Based on the evidence outlined above, the variant was classified as uncertain significance.